The following is an entry in ClinVar:

ClinVar aggregate classification (germline): Conflicting classifications of pathogenicity. Review status: criteria provided, conflicting classifications (1 of 4 stars). 3 submissions from 3 submitters: Uncertain significance (1); Benign (1); Likely benign (1). Last evaluated 2026-03-01.

Allele frequency attached by ClinVar (database versions not stated): gnomAD exomes 0.00023 and 0.00059; ExAC 0.00083; 1000 Genomes Project 0.00260; gnomAD 0.00263 and 0.00290; 1000 Genomes Project 30x 0.00265; TOPMed 0.00283; ESP Exome Variant Server 0.00315.
gnomAD v4.1: 767 of 1,613,530 alleles (0.048%); highest among the groups gnomAD compares: African/African-American, 0.9%; 5 homozygotes.

Submissions (3):

CeGaT Center for Human Genetics Tuebingen
Classification: Likely benign. Last evaluated: 2026-03-01. Review status: criteria provided, single submitter. Criteria: CeGaT Center For Human Genetics Tuebingen Variant Classification Criteria Version 2. Collection method: clinical testing. Allele origin: germline. Affected: yes. Observed: 2 variant alleles.
Comment: ROS1: BP4, BS2

Ambry Genetics
Classification: Uncertain significance. Last evaluated: 2025-08-02. Review status: criteria provided, single submitter. Criteria: Ambry Variant Classification Scheme 2023. Collection method: clinical testing. Allele origin: germline.

Labcorp Genetics (formerly Invitae), Labcorp
Classification: Benign. Last evaluated: 2018-06-14. Review status: criteria provided, single submitter. Criteria: Invitae Variant Classification Sherloc (09022015). Collection method: clinical testing. Allele origin: germline.

NM_001378902.1(ROS1):c.3269A>T (p.Asn1090Ile)

Gene: ROS1 (ROS proto-oncogene 1, receptor tyrosine kinase; minus strand). Cytogenetic location: 6q22.1.
Variant type: single nucleotide variant.
Coding change: c.3269A>T on transcript NM_001378902.1 (MANE Select); coding-DNA position 3269, A replaced by T.
Protein change: p.Asn1090Ile; replaces asparagine 1090 with isoleucine.
Molecular consequence: missense variant.
Genome position (GRCh38, 1-based): chr6:117,362,700, T>A on the plus strand (A>T on the coding strand, the complement: ROS1 is on the minus strand). VCF-style: chr6-117362700-T-A. GRCh37 (hg19) VCF-style: chr6-117683863-T-A.
Other names: c.3272A>T, p.Asn1091Ile (NM_001378891.1); c.3284A>T, p.Asn1095Ile (NM_002944.3); short protein forms N1095I, N1090I, N1091I.
Identifiers: ClinVar variation 778922 (VCV000778922.28), dbSNP rs115286894, ClinGen allele CA3975022.